The following is an entry in ClinVar:

NM_006073.4(TRDN):c.484+204A>T

Gene: TRDN (triadin; minus strand). Cytogenetic location: 6q22.31.
Variant type: single nucleotide variant.
Coding change: c.484+204A>T on transcript NM_006073.4 (MANE Select); 204 bases into the intron after coding-DNA position 484, A replaced by T.
Molecular consequence: intron variant.
Genome position (GRCh38, 1-based): chr6:123,530,302, T>A on the plus strand (A>T on the coding strand, the complement: TRDN is on the minus strand). VCF-style: chr6-123530302-T-A. GRCh37 (hg19) VCF-style: chr6-123851447-T-A.
Other names: c.484+204A>T (NM_001251987.2, NM_001256020.2, NM_001256021.2 and 1 more transcripts).
Identifiers: ClinVar variation 674821 (VCV000674821.1), dbSNP rs4996639, ClinGen allele CA147293417.

ClinVar aggregate classification (germline): Benign (1 of 4 stars; one submission).

Allele frequency attached by ClinVar (database versions not stated): TOPMed 0.56290; gnomAD 0.56606 and 0.56940; 1000 Genomes Project 0.49720; 1000 Genomes Project 30x 0.50219.
gnomAD v4.1: 86,005 of 151,614 alleles (57%); highest among the groups gnomAD compares: Non-Finnish European, 65%; 25,250 homozygotes.

Submission:

GeneDx
Classification: Benign. Last evaluated: 2018-06-14. Review status: criteria provided, single submitter. Criteria: GeneDx Variant Classification (06012015). Collection method: clinical testing. Allele origin: germline. Affected: yes.
Comment: This variant is considered likely benign or benign based on one or more of the following criteria: it is a conservative change, it occurs at a poorly conserved position in the protein, it is predicted to be benign by multiple in silico algorithms, and/or has population frequency not consistent with disease.